The following is an entry in ClinVar:

NM_000551.4(VHL):c.-59C>T

Gene: VHL (von Hippel-Lindau tumor suppressor; plus strand). Cytogenetic location: 3p25.3.
Variant type: single nucleotide variant.
Coding change: c.-59C>T on transcript NM_000551.4 (MANE Select); 59 bases upstream of the start codon, C replaced by T.
Molecular consequence: 5 prime UTR variant. On other transcripts: non-coding transcript variant (1).
Genome position (GRCh38, 1-based): chr3:10,141,789, C>T. VCF-style: chr3-10141789-C-T. GRCh37 (hg19) VCF-style: chr3-10183473-C-T.
Other names: c.-59C>T (NM_001354723.2, NM_198156.3).
Identifiers: ClinVar variation 4794898 (VCV004794898.1).

ClinVar aggregate classification (germline): Uncertain significance (1 of 4 stars; one submission).

Conditions:
Chuvash polycythemia. Also called: POLYCYTHEMIA, VHL-DEPENDENT. Identifiers: Orphanet 238557, MedGen C1837915, MONDO:0009892, OMIM 263400.
Von Hippel-Lindau syndrome (VHLS). Also called: von Hippel–Lindau syndrome; VHL syndrome; Von Hippel-Lindau. Identifiers: Orphanet 892, MedGen C0019562, MONDO:0008667, OMIM 193300. Disease mechanism: loss of function.

gnomAD v4.1: 2 of 1,530,424 alleles (0.00013%); highest among the groups gnomAD compares: Non-Finnish European, 0.00018%; no homozygotes.

Submission:

Labcorp Genetics (formerly Invitae), Labcorp
Classification: Uncertain significance for Von Hippel-Lindau syndrome; Chuvash polycythemia. Last evaluated: 2025-04-17. Review status: criteria provided, single submitter. Criteria: Invitae Variant Classification Sherloc (09022015). Collection method: clinical testing. Allele origin: germline.
Comment: This variant occurs in a non-coding region of the VHL gene. It does not change the encoded amino acid sequence of the VHL protein. This variant is not present in population databases (gnomAD no frequency). This variant has not been reported in the literature in individuals affected with VHL-related conditions. Experimental studies and prediction algorithms are not available or were not evaluated, and the functional significance of this variant is currently unknown. In summary, the available evidence is currently insufficient to determine the role of this variant in disease. Therefore, it has been classified as a Variant of Uncertain Significance.